The following is an entry in ClinVar:

NM_003850.3(SUCLA2):c.663+8G>T

Gene: SUCLA2 (succinate-CoA ligase ADP-forming subunit beta; minus strand). Cytogenetic location: 13q14.2.
Variant type: single nucleotide variant.
Coding change: c.663+8G>T on transcript NM_003850.3 (MANE Select); 8 bases into the intron after coding-DNA position 663, G replaced by T.
Molecular consequence: intron variant.
Genome position (GRCh38, 1-based): chr13:47,973,256, C>A on the plus strand (G>T on the coding strand, the complement: SUCLA2 is on the minus strand). VCF-style: chr13-47973256-C-A. GRCh37 (hg19) VCF-style: chr13-48547391-C-A.
Other names: p.?.
Identifiers: ClinVar variation 766879 (VCV000766879.12), dbSNP rs377144976, ClinGen allele CA6977950.

ClinVar aggregate classification (germline): Benign/Likely benign. Review status: criteria provided, multiple submitters, no conflicts (2 of 4 stars). 4 submissions from 4 submitters: Benign (1); Likely benign (3). Last evaluated 2025-07-03.

Conditions:
Mitochondrial DNA depletion syndrome, encephalomyopathic form with methylmalonic aciduria (MTDPS5). Also called: Mitochondrial DNA depletion syndrome 5 (encephalomyopathic with or without methylmalonic aciduria); SUCLA2-Related Mitochondrial DNA Depletion Syndrome, Encephalomyopathic Form with Methylmalonic Aciduria; Mitochondrial encephalomyopathy aminoacidopathy; MITOCHONDRIAL DNA DEPLETION SYNDROME, ENCEPHALOMYOPATHIC FORM, WITH OR WITHOUT METHYLMALONIC ACIDURIA, AUTOSOMAL RECESSIVE, SUCLA2-RELATED. Identifiers: Orphanet 1933, MedGen C5980207, MONDO:0012791, OMIM 612073.

Allele frequency attached by ClinVar (database versions not stated): ESP Exome Variant Server 0.00015; gnomAD 0.00005 and 0.00006; TOPMed 0.00005; ExAC 0.00009; gnomAD exomes 0.00010.
gnomAD v4.1: 223 of 1,610,578 alleles (0.014%); highest among the groups gnomAD compares: Non-Finnish European, 0.018%; no homozygotes.

Submissions (4):

Labcorp Genetics (formerly Invitae), Labcorp
Classification: Likely benign for Mitochondrial DNA depletion syndrome, encephalomyopathic form with methylmalonic aciduria. Last evaluated: 2025-07-03. Review status: criteria provided, single submitter. Criteria: Invitae Variant Classification Sherloc (09022015). Collection method: clinical testing. Allele origin: germline.

Mayo Clinic Laboratories, Mayo Clinic
Classification: Likely benign. Last evaluated: 2024-11-20. Review status: criteria provided, single submitter. Criteria: ACMG Guidelines, 2015. Collection method: clinical testing. Allele origin: germline. Observed: 2 variant alleles.
Comment: BP4, BP7

Blueprint Genetics
Classification: Likely benign. Last evaluated: 2024-10-02. Review status: criteria provided, single submitter. Criteria: ACMG Guidelines, 2015. Collection method: clinical testing. Allele origin: germline.

GeneDx
Classification: Benign. Last evaluated: 2015-03-03. Review status: criteria provided, single submitter. Criteria: GeneDx Variant Classification Process June 2021. Collection method: clinical testing. Allele origin: germline. Affected: yes.